The following is an entry in ClinVar:

ClinVar aggregate classification (germline): Uncertain significance (1 of 4 stars; one submission).

Conditions:
Pyruvate dehydrogenase E1-beta deficiency (PDHBD). Identifiers: Orphanet 255138, Orphanet 765, MedGen C3279841, MONDO:0013580, OMIM 614111.

gnomAD v4.1: 4 of 1,611,840 alleles (0.00025%); highest among the groups gnomAD compares: African/African-American, 0.0027%; no homozygotes.

Submission:

Labcorp Genetics (formerly Invitae), Labcorp
Classification: Uncertain significance for Pyruvate dehydrogenase E1-beta deficiency. Last evaluated: 2022-08-20. Review status: criteria provided, single submitter. Criteria: Invitae Variant Classification Sherloc (09022015). Collection method: clinical testing. Allele origin: germline.
Comment: This sequence change replaces serine, which is neutral and polar, with tyrosine, which is neutral and polar, at codon 5 of the PDHB protein (p.Ser5Tyr). This variant is not present in population databases (gnomAD no frequency). This variant has not been reported in the literature in individuals affected with PDHB-related conditions. ClinVar contains an entry for this variant (Variation ID: 1414322). Algorithms developed to predict the effect of missense changes on protein structure and function (SIFT, PolyPhen-2, Align-GVGD) all suggest that this variant is likely to be tolerated. In summary, the available evidence is currently insufficient to determine the role of this variant in disease. Therefore, it has been classified as a Variant of Uncertain Significance.

NM_000925.4(PDHB):c.14C>A (p.Ser5Tyr)

Genes: PDHB (pyruvate dehydrogenase E1 subunit beta; minus strand), LOC129936949 (ATAC-STARR-seq lymphoblastoid active region 20012; plus strand). Cytogenetic location: 3p14.3.
Variant type: single nucleotide variant.
Coding change: c.14C>A on transcript NM_000925.4 (MANE Select); coding-DNA position 14, C replaced by A.
Protein change: p.Ser5Tyr; replaces serine 5 with tyrosine.
Molecular consequence: missense variant. On other transcripts: non-coding transcript variant (1).
Genome position (GRCh38, 1-based): chr3:58,433,796, G>T on the plus strand (C>A on the coding strand, the complement: PDHB is on the minus strand). VCF-style: chr3-58433796-G-T. GRCh37 (hg19) VCF-style: chr3-58419523-G-T.
Other names: c.14C>A, p.Ser5Tyr (NM_001173468.2, NM_001315536.2); short protein forms S5Y.
Identifiers: ClinVar variation 1414322 (VCV001414322.5), dbSNP rs1053613186, ClinGen allele CA353365258.